The following is an entry in ClinVar:

ClinVar aggregate classification (germline): Conflicting classifications of pathogenicity. Review status: criteria provided, conflicting classifications (1 of 4 stars). 2 submissions from 2 submitters: Uncertain significance (1); Likely benign (1). Last evaluated 2025-03-24.

Conditions:
Autosomal recessive limb-girdle muscular dystrophy type 2O. Also called: MUSCULAR DYSTROPHY-DYSTROGLYCANOPATHY (LIMB-GIRDLE), TYPE C, 3; Limb-Girdle Muscular Dystrophy Type 3C; MUSCULAR DYSTROPHY-DYSTROGLYCANOPATHY, LIMB-GIRDLE, POMGNT1-RELATED. Identifiers: Orphanet 206564, MedGen C3150417, MONDO:0013161, OMIM 613157.
Muscular dystrophy-dystroglycanopathy (congenital with impaired intellectual development), type B, 3. Also called: Muscular dystrophy-dystroglycanopathy (congenital with intellectual disability), type B3; MUSCULAR DYSTROPHY, CONGENITAL, POMGNT1-RELATED. Identifiers: MedGen C3150412, MONDO:0013155, OMIM 613151.

Allele frequency attached by ClinVar (database versions not stated): ESP Exome Variant Server 0.00015; TOPMed below 0.00001.
gnomAD v4.1: 34 of 1,610,420 alleles (0.0021%); highest among the groups gnomAD compares: Non-Finnish European, 0.0028%; no homozygotes.

Submissions (2):

Labcorp Genetics (formerly Invitae), Labcorp
Classification: Likely benign for Autosomal recessive limb-girdle muscular dystrophy type 2O; Muscular dystrophy-dystroglycanopathy (congenital with impaired intellectual development), type B, 3. Last evaluated: 2025-03-24. Review status: criteria provided, single submitter. Criteria: Invitae Variant Classification Sherloc (09022015). Collection method: clinical testing. Allele origin: germline.

GeneDx
Classification: Uncertain significance. Last evaluated: 2024-06-12. Review status: criteria provided, single submitter. Criteria: GeneDx Variant Classification Process June 2021. Collection method: clinical testing. Allele origin: germline. Affected: yes.
Comment: Not observed at significant frequency in large population cohorts (gnomAD); In silico analysis indicates that this variant does not alter splicing; Has not been previously published as pathogenic or benign to our knowledge

NM_017739.4(POMGNT1):c.1788C>T (p.Cys596=)

Genes: POMGNT1 (protein O-linked mannose N-acetylglucosaminyltransferase 1 (beta 1,2-); minus strand), TSPAN1 (tetraspanin 1; plus strand). Cytogenetic location: 1p34.1.
Variant type: single nucleotide variant.
Coding change: c.1788C>T on transcript NM_017739.4 (MANE Select); coding-DNA position 1788, C replaced by T.
Protein change: p.Cys596=; no amino-acid change (cysteine 596 retained).
Molecular consequence: synonymous variant.
Genome position (GRCh38, 1-based): chr1:46,189,565, G>A on the plus strand (C>T on the coding strand, the complement: POMGNT1 is on the minus strand). VCF-style: chr1-46189565-G-A. GRCh37 (hg19) VCF-style: chr1-46655237-G-A.
Other names: c.1788C>T, p.Cys596= (NM_001243766.2, NM_001410783.1); c.1722C>T, p.Cys574= (NM_001290129.3); c.1359C>T, p.Cys453= (NM_001290130.2).
Identifiers: ClinVar variation 1127264 (VCV001127264.10), dbSNP rs376973640, ClinGen allele CA833225.